The following is an entry in ClinVar:

NM_000163.5(GHR):c.1003G>A (p.Glu335Lys)

Gene: GHR (growth hormone receptor; plus strand). Cytogenetic location: 5p12.
Variant type: single nucleotide variant.
Coding change: c.1003G>A on transcript NM_000163.5 (MANE Select); coding-DNA position 1003, G replaced by A.
Protein change: p.Glu335Lys; replaces glutamic acid 335 with lysine.
Molecular consequence: missense variant. On other transcripts: 3 prime UTR variant (1).
Genome position (GRCh38, 1-based): chr5:42,718,510, G>A. VCF-style: chr5-42718510-G-A. GRCh37 (hg19) VCF-style: chr5-42718612-G-A.
Other names: c.1024G>A, p.Glu342Lys (NM_001242399.2); c.1003G>A, p.Glu335Lys (NM_001242400.2, NM_001242401.4, NM_001242402.2 and 4 more transcripts); c.937G>A, p.Glu313Lys (NM_001242460.2); c.*45G>A (NM_001242462.1); c.1003G>A (NM_000163.4); short protein forms E342K, E313K, E335K.
Identifiers: ClinVar variation 930323 (VCV000930323.7), dbSNP rs199937609, ClinGen allele CA3254579.

ClinVar aggregate classification (germline): Uncertain significance. Review status: criteria provided, multiple submitters, no conflicts (2 of 4 stars). 3 submissions from 3 submitters: Uncertain significance (3). Last evaluated 2025-09-03.

Conditions:
Inborn genetic diseases. Identifiers: MedGen C0950123, MeSH D030342.
Short stature due to partial GHR deficiency. Also called: GROWTH HORMONE INSENSITIVITY, PARTIAL; GROWTH HORMONE DEFICIENCY, ISOLATED PARTIAL; Growth hormone, insensitivity to, partial. Identifiers: Orphanet 314802, Orphanet 314811, MedGen C1858656, MONDO:0011420, OMIM 604271.

Allele frequency attached by ClinVar (database versions not stated): ExAC 0.00004; gnomAD 0.00003 and 0.00002; TOPMed 0.00005; gnomAD exomes 0.00006 and 0.00005.
gnomAD v4.1: 71 of 1,612,470 alleles (0.0044%); highest among the groups gnomAD compares: Admixed American, 0.0083%; no homozygotes.

Submissions (3):

Labcorp Genetics (formerly Invitae), Labcorp
Classification: Uncertain significance. Last evaluated: 2025-09-03. Review status: criteria provided, single submitter. Criteria: Invitae Variant Classification Sherloc (09022015). Collection method: clinical testing. Allele origin: germline.
Comment: This sequence change replaces glutamic acid, which is acidic and polar, with lysine, which is basic and polar, at codon 335 of the GHR protein (p.Glu335Lys). This variant is present in population databases (rs199937609, gnomAD 0.009%). This variant has not been reported in the literature in individuals affected with GHR-related conditions. ClinVar contains an entry for this variant (Variation ID: 930323). Invitae Evidence Modeling of protein sequence and biophysical properties (such as structural, functional, and spatial information, amino acid conservation, physicochemical variation, residue mobility, and thermodynamic stability) indicates that this missense variant is not expected to disrupt GHR protein function with a negative predictive value of 95%. In summary, the available evidence is currently insufficient to determine the role of this variant in disease. Therefore, it has been classified as a Variant of Uncertain Significance.

Ambry Genetics
Classification: Uncertain significance for Inborn genetic diseases. Last evaluated: 2025-06-18. Review status: criteria provided, single submitter. Criteria: Ambry Variant Classification Scheme 2023. Collection method: clinical testing. Allele origin: germline.

Centre for Mendelian Genomics, University Medical Centre Ljubljana
Classification: Uncertain significance for Short stature due to partial GHR deficiency. Last evaluated: 2019-01-15. Review status: criteria provided, single submitter. Criteria: ACMG Guidelines, 2015. Collection method: clinical testing. Allele origin: unknown. Affected: yes.
Comment: This variant was classified as: Uncertain significance. The available evidence on this variant's pathogenicity is insufficient or conflicting. The following ACMG criteria were applied in classifying this variant: PP3.